The following is an entry in ClinVar:

NM_030632.3(ASXL3):c.3010A>G (p.Arg1004Gly)

Gene: ASXL3 (ASXL transcriptional regulator 3; plus strand). Cytogenetic location: 18q12.1.
Variant type: single nucleotide variant.
Coding change: c.3010A>G on transcript NM_030632.3 (MANE Select); coding-DNA position 3010, A replaced by G.
Protein change: p.Arg1004Gly; replaces arginine 1004 with glycine.
Molecular consequence: missense variant.
Genome position (GRCh38, 1-based): chr18:33,740,414, A>G. VCF-style: chr18-33740414-A-G. GRCh37 (hg19) VCF-style: chr18-31320378-A-G.
Other names: short protein forms R1004G.
Identifiers: ClinVar variation 4278525 (VCV004278525.1).

ClinVar aggregate classification (germline): Uncertain significance (1 of 4 stars; one submission).

gnomAD v4.1: 1 of 1,590,872 alleles (0.000063%); highest among the groups gnomAD compares: South Asian, 0.0011%; no homozygotes.

Submission:

GeneDx
Classification: Uncertain significance. Last evaluated: 2025-04-03. Review status: criteria provided, single submitter. Criteria: GeneDx Variant Classification Process June 2021. Collection method: clinical testing. Allele origin: germline. Affected: yes.
Comment: Not observed at significant frequency in large population cohorts (gnomAD); In silico analysis supports that this missense variant has a deleterious effect on protein structure/function; Has not been previously published as pathogenic or benign to our knowledge